The following is an entry in ClinVar:

NM_000045.4(ARG1):c.270C>T (p.Asn90=)

Genes: ARG1 (arginase 1; plus strand), MED23 (mediator complex subunit 23; minus strand). Cytogenetic location: 6q23.2.
Variant type: single nucleotide variant.
Coding change: c.270C>T on transcript NM_000045.4 (MANE Select); coding-DNA position 270, C replaced by T.
Protein change: p.Asn90=; no amino-acid change (asparagine 90 retained).
Molecular consequence: synonymous variant. On other transcripts: non-coding transcript variant (1), intron variant (2).
Genome position (GRCh38, 1-based): chr6:131,579,250, C>T. VCF-style: chr6-131579250-C-T. GRCh37 (hg19) VCF-style: chr6-131900390-C-T.
Other names: p.N90N:AAC>AAT; p.Asn90=; c.294C>T, p.Asn98= (NM_001244438.2); c.270C>T, p.Asn90= (NM_001369020.1); c.4078-4955G>A (NM_001270521.2); c.4096-4955G>A (NM_015979.4).
Identifiers: ClinVar variation 136419 (VCV000136419.18), dbSNP rs34504481, ClinGen allele CA289509.
Genomic context (GRCh38, chr6:131,579,250, plus strand): 5'-AAGGTCTGTGGGAAAAGCAAGCGAGCAGCTGGCTGGCAAGGTGGCAGAAGTCAAGAAGAA[C>T]GGAAGAATCAGCCTGGTGCTGGGCGGAGACCACAGGTCTTGTTGAATAACTGTGTCTATG-3'
Protein context (NP_000036.2, residues 80-100): LAGKVAEVKK[Asn90=]GRISLVLGGD

ClinVar aggregate classification (germline): Benign. Review status: criteria provided, multiple submitters, no conflicts (2 of 4 stars). 8 submissions from 7 submitters: Benign (5). 3 of the submissions do not count toward it. Last evaluated 2026-02-04.

Conditions:
Intellectual developmental disorder, autosomal recessive 18, with or without epilepsy. Also called: Intellectual disability, autosomal recessive 18. Identifiers: Orphanet 88616, MedGen C3280265, MONDO:0013651, OMIM 614249.
Arginase deficiency. Also called: ARGININEMIA; ARG1 DEFICIENCY; Arginase 1 Deficiency. Identifiers: Orphanet 90, MedGen C0268548, MONDO:0008814, OMIM 207800.

Allele frequency attached by ClinVar (database versions not stated): 1000 Genomes Project 30x 0.03139; 1000 Genomes Project 0.03075; TOPMed 0.03962; gnomAD 0.04124 and 0.04183; ExAC 0.04860; gnomAD exomes 0.05720 and 0.04739; ESP Exome Variant Server 0.04575.
gnomAD v4.1: 89,766 of 1,613,884 alleles (5.6%); highest among the groups gnomAD compares: Non-Finnish European, 6.2%; 2,726 homozygotes.

Submissions (8):

Labcorp Genetics (formerly Invitae), Labcorp
Classification: Benign for Arginase deficiency. Last evaluated: 2026-02-04. Review status: criteria provided, single submitter. Criteria: Invitae Variant Classification Sherloc (09022015). Collection method: clinical testing. Allele origin: germline.

Mayo Clinic Laboratories, Mayo Clinic
Classification: Benign. Last evaluated: 2022-03-23. Review status: criteria provided, single submitter. Criteria: ACMG Guidelines, 2015. Collection method: clinical testing. Allele origin: germline. Observed: 51 variant alleles.

Illumina Laboratory Services, Illumina
Classification: Benign for Arginase deficiency. Last evaluated: 2018-01-12. Review status: criteria provided, single submitter. Criteria: ICSL Variant Classification Criteria 13 December 2019. Collection method: clinical testing. Allele origin: germline.
Comment: This variant was observed in the ICSL laboratory as part of a predisposition screen in an ostensibly healthy population. It had not been previously curated by ICSL or reported in the Human Gene Mutation Database (HGMD: prior to June 1st, 2018), and was therefore a candidate for classification through an automated scoring system. Utilizing variant allele frequency, disease prevalence and penetrance estimates, and inheritance mode, an automated score was calculated to assess if this variant is too frequent to cause the disease. Based on the score and internal cut-off values, a variant classified as benign is not then subjected to further curation. The score for this variant resulted in a classification of benign for this disease.

GeneDx
Classification: Benign. Last evaluated: 2014-03-10. Review status: criteria provided, single submitter. Criteria: GeneDx Variant Classification (06012015). Collection method: clinical testing. Allele origin: germline. Affected: yes.
Comment: This variant is considered likely benign or benign based on one or more of the following criteria: it is a conservative change, it occurs at a poorly conserved position in the protein, it is predicted to be benign by multiple in silico algorithms, and/or has population frequency not consistent with disease.

PreventionGenetics, part of Exact Sciences
Classification: Benign. Review status: criteria provided, single submitter. Criteria: ACMG Guidelines, 2015. Collection method: clinical testing. Allele origin: germline.

Clinical Genetics, Academic Medical Center
Classification: Benign. Review status: no assertion criteria provided. Collection method: clinical testing. Allele origin: germline. Affected: yes. Study: VKGL Data-share Consensus. Not counted in ClinVar's aggregate classification.

Diagnostic Laboratory, Department of Genetics, University Medical Center Groningen
Classification: Benign for Arginase deficiency. Review status: no assertion criteria provided. Collection method: clinical testing. Allele origin: germline. Affected: yes. Study: VKGL Data-share Consensus. Not counted in ClinVar's aggregate classification.

Diagnostic Laboratory, Department of Genetics, University Medical Center Groningen
Classification: Benign for Intellectual developmental disorder, autosomal recessive 18, with or without epilepsy. Review status: no assertion criteria provided. Collection method: clinical testing. Allele origin: germline. Affected: yes. Study: VKGL Data-share Consensus. Not counted in ClinVar's aggregate classification.